The following is an entry in ClinVar:

NM_006946.4(SPTBN2):c.2060G>A (p.Arg687Gln)

Gene: SPTBN2 (spectrin beta, non-erythrocytic 2; minus strand). Cytogenetic location: 11q13.2.
Variant type: single nucleotide variant.
Coding change: c.2060G>A on transcript NM_006946.4 (MANE Select); coding-DNA position 2060, G replaced by A.
Protein change: p.Arg687Gln; replaces arginine 687 with glutamine.
Molecular consequence: missense variant.
Genome position (GRCh38, 1-based): chr11:66,705,216, C>T on the plus strand (G>A on the coding strand, the complement: SPTBN2 is on the minus strand). VCF-style: chr11-66705216-C-T. GRCh37 (hg19) VCF-style: chr11-66472687-C-T.
Other names: c.2081G>A, p.Arg694Gln (NM_001411025.1); short protein forms R694Q, R687Q.
Identifiers: ClinVar variation 2970439 (VCV002970439.3), dbSNP rs748705169, ClinGen allele CA6129191.

ClinVar aggregate classification (germline): Uncertain significance (1 of 4 stars; one submission).

Allele frequency attached by ClinVar (database versions not stated): gnomAD 0.00001; gnomAD exomes 0.00001; TOPMed 0.00001.
gnomAD v4.1: 10 of 1,547,190 alleles (0.00065%); highest among the groups gnomAD compares: East Asian, 0.0024%; no homozygotes.

Submission:

Labcorp Genetics (formerly Invitae), Labcorp
Classification: Uncertain significance. Last evaluated: 2023-02-27. Review status: criteria provided, single submitter. Criteria: Invitae Variant Classification Sherloc (09022015). Collection method: clinical testing. Allele origin: germline.
Comment: In summary, the available evidence is currently insufficient to determine the role of this variant in disease. Therefore, it has been classified as a Variant of Uncertain Significance. Advanced modeling of protein sequence and biophysical properties (such as structural, functional, and spatial information, amino acid conservation, physicochemical variation, residue mobility, and thermodynamic stability) performed at Invitae indicates that this missense variant is not expected to disrupt SPTBN2 protein function. This variant has not been reported in the literature in individuals affected with SPTBN2-related conditions. The frequency data for this variant in the population databases is considered unreliable, as metrics indicate poor data quality at this position in the gnomAD database. This sequence change replaces arginine, which is basic and polar, with glutamine, which is neutral and polar, at codon 687 of the SPTBN2 protein (p.Arg687Gln).